The following is an entry in ClinVar:

NM_173683.4(XKR6):c.1787C>G (p.Ala596Gly)

Gene: XKR6 (XK related 6). Cytogenetic location: 8p23.1.
Variant type: single nucleotide variant.
Coding change: c.1787C>G on transcript NM_173683.4 (MANE Select); coding-DNA position 1787, C replaced by G.
Protein change: p.Ala596Gly; replaces alanine 596 with glycine.
Molecular consequence: missense variant.
Genome position (GRCh38, 1-based): chr8:10,898,091, G>C on the plus strand (C>G on the coding strand, the complement: XKR6 is on the minus strand). VCF-style: chr8-10898091-G-C. GRCh37 (hg19) VCF-style: chr8-10755601-G-C.
Other names: c.1787C>G, p.Ala596Gly (NM_001012239.1); short protein forms A596G.
Identifiers: ClinVar variation 1710433 (VCV001710433.3), dbSNP rs1217951730, ClinGen allele CA370296521.

ClinVar aggregate classification (germline): Uncertain significance (1 of 4 stars; one submission).

Submission:

Greenwood Genetic Center Diagnostic Laboratories, Greenwood Genetic Center
Classification: Uncertain significance. Last evaluated: 2022-07-15. Review status: criteria provided, single submitter. Criteria: ACMG Guidelines, 2015. Collection method: clinical testing. Allele origin: germline. Affected: yes.
Comment: Gene of Uncertain Significance